The following is an entry in ClinVar:

NM_005228.5(EGFR):c.1655A>G (p.Asn552Ser)

Gene: EGFR (epidermal growth factor receptor; plus strand). Cytogenetic location: 7p11.2.
Variant type: single nucleotide variant.
Coding change: c.1655A>G on transcript NM_005228.5 (MANE Select); coding-DNA position 1655, A replaced by G.
Protein change: p.Asn552Ser; replaces asparagine 552 with serine.
Molecular consequence: missense variant.
Genome position (GRCh38, 1-based): chr7:55,163,756, A>G. VCF-style: chr7-55163756-A-G. GRCh37 (hg19) VCF-style: chr7-55231449-A-G.
Other names: c.1655A>G (NM_005228.3); c.1520A>G, p.Asn507Ser (NM_001346897.2, NM_001346899.2); c.1655A>G, p.Asn552Ser (NM_001346898.2, NM_201282.2, NM_201284.2); c.1496A>G, p.Asn499Ser (NM_001346900.2); c.854A>G, p.Asn285Ser (NM_001346941.2); short protein forms N285S, N499S, N507S, N552S.
Identifiers: ClinVar variation 1057713 (VCV001057713.10), dbSNP rs1162236403, ClinGen allele CA367580450.

ClinVar aggregate classification (germline): Conflicting classifications of pathogenicity. Review status: criteria provided, conflicting classifications (1 of 4 stars). 2 submissions from 2 submitters: Uncertain significance (1); Likely benign (1). Last evaluated 2026-01-31.

Conditions:
EGFR-related lung cancer (EGFR). Identifiers: MedGen CN130014.
Hereditary cancer-predisposing syndrome. Also called: Hereditary Cancer Syndrome; Tumor predisposition; Hereditary neoplastic syndrome; Neoplastic Syndromes, Hereditary. Identifiers: Orphanet 140162, MedGen C0027672, MeSH D009386, MONDO:0015356.

Allele frequency attached by ClinVar (database versions not stated): gnomAD exomes below 0.00001 and 0.00001; TOPMed below 0.00001.
gnomAD v4.1: 3 of 1,614,088 alleles (0.00019%); highest among the groups gnomAD compares: Admixed American, 0.0033%; no homozygotes.

Submissions (2):

Labcorp Genetics (formerly Invitae), Labcorp
Classification: Uncertain significance for EGFR-related lung cancer. Last evaluated: 2026-01-31. Review status: criteria provided, single submitter. Criteria: Invitae Variant Classification Sherloc (09022015). Collection method: clinical testing. Allele origin: germline.
Comment: This sequence change replaces asparagine, which is neutral and polar, with serine, which is neutral and polar, at codon 552 of the EGFR protein (p.Asn552Ser). This variant is present in population databases (no rsID available, gnomAD 0.006%). This variant has not been reported in the literature in individuals affected with EGFR-related conditions. ClinVar contains an entry for this variant (Variation ID: 1057713). Invitae Evidence Modeling of protein sequence and biophysical properties (such as structural, functional, and spatial information, amino acid conservation, physicochemical variation, residue mobility, and thermodynamic stability) indicates that this missense variant is not expected to disrupt EGFR protein function with a negative predictive value of 80%. In summary, the available evidence is currently insufficient to determine the role of this variant in disease. Therefore, it has been classified as a Variant of Uncertain Significance.

Ambry Genetics
Classification: Likely benign for Hereditary cancer-predisposing syndrome. Last evaluated: 2025-02-11. Review status: criteria provided, single submitter. Criteria: Ambry Variant Classification Scheme 2023. Collection method: clinical testing. Allele origin: germline.